The following is an entry in ClinVar:

ClinVar aggregate classification (germline): Conflicting classifications of pathogenicity. Review status: criteria provided, conflicting classifications (1 of 4 stars). 4 submissions from 4 submitters: Uncertain significance (1); Benign (1); Likely benign (2). Last evaluated 2025-05-07.

Conditions:
OPA1-related disorder. Also called: OPA1-related disorders; OPA1-related condition.

Allele frequency attached by ClinVar (database versions not stated): gnomAD below 0.00001 and 0.00001; TOPMed below 0.00001; ExAC 0.00003; gnomAD exomes 0.00007.
gnomAD v4.1: 55 of 1,606,364 alleles (0.0034%); highest among the groups gnomAD compares: South Asian, 0.058%; 2 homozygotes.

Submissions (4):

PreventionGenetics, part of Exact Sciences
Classification: Likely benign for OPA1-related condition. Last evaluated: 2025-05-07. Review status: criteria provided, single submitter. Criteria: ACMG Guidelines, 2015. Collection method: clinical testing. Allele origin: germline.
Comment: This variant is classified as likely benign based on ACMG/AMP sequence variant interpretation guidelines (Richards et al. 2015 PMID: 25741868, with internal and published modifications).

Labcorp Genetics (formerly Invitae), Labcorp
Classification: Benign. Last evaluated: 2024-04-03. Review status: criteria provided, single submitter. Criteria: Invitae Variant Classification Sherloc (09022015). Collection method: clinical testing. Allele origin: germline.

Blueprint Genetics
Classification: Likely benign. Last evaluated: 2024-03-21. Review status: criteria provided, single submitter. Criteria: ACMG Guidelines, 2015. Collection method: clinical testing. Allele origin: germline.

CeGaT Center for Human Genetics Tuebingen
Classification: Uncertain significance. Last evaluated: 2017-11-01. Review status: criteria provided, single submitter. Criteria: CeGaT Center For Human Genetics Tuebingen Variant Classification Criteria Version 2. Collection method: clinical testing. Allele origin: germline. Affected: yes. Observed: 1 variant allele.

NM_130837.3(OPA1):c.429T>C (p.Ile143=)

Gene: OPA1 (OPA1 mitochondrial dynamin like GTPase; plus strand). Cytogenetic location: 3q29.
Variant type: single nucleotide variant.
Coding change: c.429T>C on transcript NM_130837.3 (MANE Select); coding-DNA position 429, T replaced by C.
Protein change: p.Ile143=; no amino-acid change (isoleucine 143 retained).
Molecular consequence: synonymous variant.
Genome position (GRCh38, 1-based): chr3:193,615,751, T>C. VCF-style: chr3-193615751-T-C. GRCh37 (hg19) VCF-style: chr3-193333540-T-C.
Other names: c.57T>C, p.Ile19= (NM_001354663.2, NM_001354664.2); c.429T>C, p.Ile143= (NM_015560.3, NM_130831.3, NM_130832.3 and 4 more transcripts); c.429T>C (NM_130837.2).
Identifiers: ClinVar variation 546953 (VCV000546953.47), dbSNP rs761336580, ClinGen allele CA2759007.